The following is an entry in ClinVar:

ClinVar aggregate classification (germline): Uncertain significance (1 of 4 stars; one submission).

Submission:

Women's Health and Genetics/Laboratory Corporation of America, LabCorp
Classification: Uncertain significance. Last evaluated: 2026-02-17. Review status: criteria provided, single submitter. Criteria: LabCorp Variant Classification Summary - May 2015. Collection method: clinical testing. Allele origin: germline.
Comment: Variant summary: GP1BA c.1577G>C (p.Cys526Ser) results in a non-conservative amino acid change in the encoded protein sequence. Algorithms developed to predict the effect of missense changes on protein structure and function are either unavailable or do not agree on the potential impact of this missense change. The variant allele was found at a frequency of 4e-06 in 248266 control chromosomes. The available data on variant occurrences in the general population are insufficient to allow any conclusion about variant significance. To our knowledge, no occurrence of c.1577G>C in individuals affected with GP1BA-related conditions and no experimental evidence demonstrating its impact on protein function have been reported. No submitters have cited clinical-significance assessments for this variant to ClinVar. Based on the evidence outlined above, the variant was classified as uncertain significance.

NM_000173.7(GP1BA):c.1577G>C (p.Cys526Ser)

Gene: GP1BA (glycoprotein Ib platelet subunit alpha; plus strand). Cytogenetic location: 17p13.2.
Variant type: single nucleotide variant.
Coding change: c.1577G>C on transcript NM_000173.7 (MANE Select); coding-DNA position 1577, G replaced by C.
Protein change: p.Cys526Ser; replaces cysteine 526 with serine.
Molecular consequence: missense variant.
Genome position (GRCh38, 1-based): chr17:4,934,181, G>C. VCF-style: chr17-4934181-G-C. GRCh37 (hg19) VCF-style: chr17-4837476-G-C.
Other names: short protein forms C526S.
Identifiers: ClinVar variation 4848314 (VCV004848314.1).